The following is an entry in ClinVar:

ClinVar aggregate classification (germline): Likely pathogenic (1 of 4 stars; one submission).

Conditions:
Disseminated atypical mycobacterial infection. Identifiers: MedGen C0694566.

Allele frequency attached by ClinVar (database versions not stated): ExAC 0.00001; gnomAD exomes 0.00001 and 0.00003; gnomAD 0.00004 and 0.00005; TOPMed 0.00005; ESP Exome Variant Server 0.00008.

Submission:

Labcorp Genetics (formerly Invitae), Labcorp
Classification: Likely pathogenic for Disseminated atypical mycobacterial infection. Last evaluated: 2024-10-03. Review status: criteria provided, single submitter. Criteria: Invitae Variant Classification Sherloc (09022015). Collection method: clinical testing. Allele origin: germline.
Comment: This sequence change affects a donor splice site in intron 5 of the IFNGR1 gene. It is expected to disrupt RNA splicing. Variants that disrupt the donor or acceptor splice site typically lead to a loss of protein function (PMID: 16199547), and loss-of-function variants in IFNGR1 are known to be pathogenic (PMID: 8960473, 9806040). This variant is present in population databases (rs369389737, gnomAD 0.03%). This variant has not been reported in the literature in individuals affected with IFNGR1-related conditions. ClinVar contains an entry for this variant (Variation ID: 1488138). Algorithms developed to predict the effect of sequence changes on RNA splicing suggest that this variant may disrupt the consensus splice site. In summary, the currently available evidence indicates that the variant is pathogenic, but additional data are needed to prove that conclusively. Therefore, this variant has been classified as Likely Pathogenic.

Literature cited by the submitters: PubMed 16199547; PubMed 8960473; PubMed 9806040.

NM_000416.3(IFNGR1):c.733+2T>C

Gene: IFNGR1 (interferon gamma receptor 1; minus strand). Cytogenetic location: 6q23.3.
Variant type: single nucleotide variant.
Coding change: c.733+2T>C on transcript NM_000416.3 (MANE Select); the canonical splice donor site of the intron after coding-DNA position 733, T replaced by C.
Molecular consequence: splice donor variant.
Genome position (GRCh38, 1-based): chr6:137,203,497, A>G on the plus strand (T>C on the coding strand, the complement: IFNGR1 is on the minus strand). VCF-style: chr6-137203497-A-G. GRCh37 (hg19) VCF-style: chr6-137524634-A-G.
Other names: c.703+2T>C (NM_001363526.1); c.610+2T>C (NM_001363527.1).
Identifiers: ClinVar variation 1488138 (VCV001488138.8), dbSNP rs369389737, ClinGen allele CA4018890.